The following is an entry in ClinVar:

ClinVar aggregate classification (germline): Likely pathogenic (1 of 4 stars; one submission).

Conditions:
Nephrogenic diabetes insipidus. Identifiers: Orphanet 223, MedGen C0162283, MONDO:0016383, HP:0009806.

Submission:

Women's Health and Genetics/Laboratory Corporation of America, LabCorp
Classification: Likely pathogenic for Nephrogenic Diabetes Insipidus. Last evaluated: 2011-08-18. Review status: criteria provided, single submitter. Criteria: LabCorp Variant Classification Summary - May 2015. Collection method: curation, clinical testing. Allele origin: germline. Inheritance: Xlinked recessive. Affected: yes. Observed: 1 variant allele.
ClinVar note: Converted during submission from likely pathogenic to Likely pathogenic.

Literature cited by the submitters: PubMed 19812297.

NM_000054.7(AVPR2):c.409C>G (p.Arg137Gly)

Gene: AVPR2 (arginine vasopressin receptor 2; plus strand). Cytogenetic location: Xq28.
Variant type: single nucleotide variant.
Coding change: c.409C>G on transcript NM_000054.7 (MANE Select); coding-DNA position 409, C replaced by G.
Protein change: p.Arg137Gly; replaces arginine 137 with glycine.
Molecular consequence: missense variant.
Genome position (GRCh38, 1-based): chrX:153,905,915, C>G. VCF-style: chrX-153905915-C-G. GRCh37 (hg19) VCF-style: chrX-153171369-C-G.
Other names: c.409C>G, p.Arg137Gly (NM_001146151.3); short protein forms R137G.
Identifiers: ClinVar variation 35739 (VCV000035739.3), dbSNP rs104894761, ClinGen allele CA260161.